The following is an entry in ClinVar:

NM_024580.6(EFL1):c.1070-3C>T

Gene: EFL1 (elongation factor like GTPase 1; minus strand). Cytogenetic location: 15q25.2.
Variant type: single nucleotide variant.
Coding change: c.1070-3C>T on transcript NM_024580.6 (MANE Select); 3 bases into the intron before coding-DNA position 1070, C replaced by T.
Molecular consequence: intron variant.
Genome position (GRCh38, 1-based): chr15:82,227,575, G>A on the plus strand (C>T on the coding strand, the complement: EFL1 is on the minus strand). VCF-style: chr15-82227575-G-A. GRCh37 (hg19) VCF-style: chr15-82519916-G-A.
Other names: c.917-3C>T (NM_001040610.3); c.281-3C>T (NM_001322844.2); c.1070-3C>T (NM_001322845.2).
Identifiers: ClinVar variation 2166337 (VCV002166337.1), dbSNP rs1302246736, ClinGen allele CA618991214.

ClinVar aggregate classification (germline): Uncertain significance (1 of 4 stars; one submission).

Allele frequency attached by ClinVar (database versions not stated): gnomAD exomes below 0.00001; gnomAD 0.00001.
gnomAD v4.1: 6 of 1,613,984 alleles (0.00037%); highest among the groups gnomAD compares: African/African-American, 0.0013%; no homozygotes.

Submission:

Labcorp Genetics (formerly Invitae), Labcorp
Classification: Uncertain significance. Last evaluated: 2022-04-26. Review status: criteria provided, single submitter. Criteria: Invitae Variant Classification Sherloc (09022015). Collection method: clinical testing. Allele origin: germline.
Comment: This sequence change falls in intron 10 of the EFL1 gene. It does not directly change the encoded amino acid sequence of the EFL1 protein. It affects a nucleotide within the consensus splice site. This variant is present in population databases (no rsID available, gnomAD 0.0009%). This variant has not been reported in the literature in individuals affected with EFL1-related conditions. Variants that disrupt the consensus splice site are a relatively common cause of aberrant splicing (PMID: 17576681, 9536098). Algorithms developed to predict the effect of sequence changes on RNA splicing suggest that this variant is not likely to affect RNA splicing. In summary, the available evidence is currently insufficient to determine the role of this variant in disease. Therefore, it has been classified as a Variant of Uncertain Significance.

Literature cited by the submitters: PubMed 17576681; PubMed 9536098.